The following is an entry in ClinVar:

ClinVar aggregate classification (germline): Conflicting classifications of pathogenicity. Review status: criteria provided, conflicting classifications (1 of 4 stars). 2 submissions from 1 submitter: Uncertain significance (1); Benign (1). Last evaluated 2018-01-13.

Conditions:
Factor XII deficiency disease. Also called: Reduced factor XII activity; Congenital factor XII deficiency; F12 DEFICIENCY; HAF DEFICIENCY. Identifiers: Orphanet 330, MedGen C0015526, MONDO:0009315, OMIM 234000, HP:0004841.
Hereditary angioedema type 3 (HAE3). Also called: ANGIONEUROTIC EDEMA, HEREDITARY, WITH NORMAL C1 INHIBITOR CONCENTRATION AND FUNCTION; ESTROGEN-RELATED HAE; ESTROGEN-SENSITIVE HAE; HAE WITH NORMAL C1 INHIBITOR CONCENTRATION AND FUNCTION. Identifiers: Orphanet 100054, MedGen C1857728, MONDO:0012526, OMIM 610618.

Allele frequency attached by ClinVar (database versions not stated): TOPMed 0.00002; gnomAD 0.00003; gnomAD exomes 0.00006.
gnomAD v4.1: 89 of 1,610,082 alleles (0.0055%); highest among the groups gnomAD compares: South Asian, 0.085%; 2 homozygotes.

Submissions (2):

Illumina Laboratory Services, Illumina
Classification: Uncertain significance for Factor XII deficiency disease. Last evaluated: 2018-01-13. Review status: criteria provided, single submitter. Criteria: ICSL Variant Classification Criteria 13 December 2019. Collection method: clinical testing. Allele origin: germline.

Illumina Laboratory Services, Illumina
Classification: Benign for Hereditary angioedema type 3. Last evaluated: 2018-01-13. Review status: criteria provided, single submitter. Criteria: ICSL Variant Classification Criteria 13 December 2019. Collection method: clinical testing. Allele origin: germline.
Comment: This variant was observed in the ICSL laboratory as part of a predisposition screen in an ostensibly healthy population. It had not been previously curated by ICSL or reported in the Human Gene Mutation Database (HGMD: prior to June 1st, 2018), and was therefore a candidate for classification through an automated scoring system. Utilizing variant allele frequency, disease prevalence and penetrance estimates, and inheritance mode, an automated score was calculated to assess if this variant is too frequent to cause the disease. Based on the score and internal cut-off values, a variant classified as benign is not then subjected to further curation. The score for this variant resulted in a classification of benign for this disease.

NM_000505.4(F12):c.1704G>A (p.Val568=)

Gene: F12 (coagulation factor XII; minus strand). Cytogenetic location: 5q35.3.
Variant type: single nucleotide variant.
Coding change: c.1704G>A on transcript NM_000505.4 (MANE Select); coding-DNA position 1704, G replaced by A.
Protein change: p.Val568=; no amino-acid change (valine 568 retained).
Molecular consequence: synonymous variant.
Genome position (GRCh38, 1-based): chr5:177,402,436, C>T on the plus strand (G>A on the coding strand, the complement: F12 is on the minus strand). VCF-style: chr5-177402436-C-T. GRCh37 (hg19) VCF-style: chr5-176829437-C-T.
Identifiers: ClinVar variation 904430 (VCV000904430.4), dbSNP rs536390950, ClinGen allele CA3581078.